The following is an entry in ClinVar:

ClinVar aggregate classification (germline): Uncertain significance (1 of 4 stars; one submission).

Conditions:
Rubinstein-Taybi syndrome (RSTS). Identifiers: Orphanet 783, MedGen C0035934, MONDO:0019188.

Submission:

Labcorp Genetics (formerly Invitae), Labcorp
Classification: Uncertain significance for Rubinstein-Taybi syndrome. Last evaluated: 2024-10-15. Review status: criteria provided, single submitter. Criteria: Invitae Variant Classification Sherloc (09022015). Collection method: clinical testing. Allele origin: germline.
Comment: This sequence change replaces isoleucine, which is neutral and non-polar, with leucine, which is neutral and non-polar, at codon 2040 of the CREBBP protein (p.Ile2040Leu). This variant is not present in population databases (gnomAD no frequency). This variant has not been reported in the literature in individuals affected with CREBBP-related conditions. Invitae Evidence Modeling of protein sequence and biophysical properties (such as structural, functional, and spatial information, amino acid conservation, physicochemical variation, residue mobility, and thermodynamic stability) indicates that this missense variant is not expected to disrupt CREBBP protein function with a negative predictive value of 95%. In summary, the available evidence is currently insufficient to determine the role of this variant in disease. Therefore, it has been classified as a Variant of Uncertain Significance.

NM_004380.3(CREBBP):c.6118A>C (p.Ile2040Leu)

Gene: CREBBP (CREB binding lysine acetyltransferase; minus strand). Cytogenetic location: 16p13.3.
Variant type: single nucleotide variant.
Coding change: c.6118A>C on transcript NM_004380.3 (MANE Select); coding-DNA position 6118, A replaced by C.
Protein change: p.Ile2040Leu; replaces isoleucine 2040 with leucine.
Molecular consequence: missense variant.
Genome position (GRCh38, 1-based): chr16:3,728,929, T>G on the plus strand (A>C on the coding strand, the complement: CREBBP is on the minus strand). VCF-style: chr16-3728929-T-G. GRCh37 (hg19) VCF-style: chr16-3778930-T-G.
Other names: c.6004A>C, p.Ile2002Leu (NM_001079846.1); short protein forms I2002L, I2040L.
Identifiers: ClinVar variation 3622206 (VCV003622206.2).